The following continues an entry in ClinVar:

NM_003000.3(SDHB):c.689G>A (p.Arg230His)

Gene: SDHB. ClinVar aggregate classification (germline): Pathogenic/Likely pathogenic. Pathogenic (14); Likely pathogenic (4).

Submissions 12 to 21 of 21:

Baylor Genetics
Classification: Pathogenic for Gastrointestinal stromal tumor. Last evaluated: 2022-10-28. Review status: criteria provided, single submitter. Criteria: ACMG Guidelines, 2015. Collection method: clinical testing. Allele origin: unknown.

Women's Health and Genetics/Laboratory Corporation of America, LabCorp
Classification: Pathogenic for Hereditary pheochromocytoma and paraganglioma. Last evaluated: 2022-08-23. Review status: criteria provided, single submitter. Criteria: LabCorp Variant Classification Summary - May 2015. Collection method: clinical testing. Allele origin: germline.
Comment: Variant summary: SDHB c.689G>A (p.Arg230His) results in a non-conservative amino acid change in the encoded protein sequence. Five of five in-silico tools predict a damaging effect of the variant on protein function. The variant allele was found at a frequency of 4e-06 in 251416 control chromosomes. c.689G>A continues to be widely reported in the literature in multiple individuals affected with Hereditary Paraganglioma-Pheochromocytoma Syndrome (example, Amar_2005, Brouwers_2006, Amar_2007, Trimmers_2007, Meyer-Rochow_2009, Persu_2008). These data indicate that the variant is very likely to be associated with disease. No experimental evidence demonstrating an impact on protein function has been ascertained. Seven clinical diagnostic laboratories have submitted clinical-significance assessments for this variant to ClinVar after 2014 without evidence for independent evaluation. All laboratories classified the variant as pathogenic/likely pathogenic. Based on the evidence outlined above, the variant was classified as pathogenic.

CeGaT Center for Human Genetics Tuebingen
Classification: Pathogenic. Last evaluated: 2022-04-01. Review status: criteria provided, single submitter. Criteria: CeGaT Center For Human Genetics Tuebingen Variant Classification Criteria Version 2. Collection method: clinical testing. Allele origin: germline. Affected: yes. Observed: 1 variant allele.
Comment: SDHB: PS4, PM2, PM5, PP1, PS3:Supporting

Department of Pathology and Laboratory Medicine, Sinai Health System
Classification: Pathogenic for Pheochromocytoma/paraganglioma syndrome 4; Gastrointestinal stromal tumor; Carney-Stratakis syndrome; Mitochondrial complex 2 deficiency, nuclear type 4. Last evaluated: 2021-07-06. Review status: criteria provided, single submitter. Criteria: ACMG Guidelines, 2015. Collection method: clinical testing. Allele origin: germline. Affected: yes.

Fulgent Genetics
Classification: Pathogenic for Pheochromocytoma/paraganglioma syndrome 4; Pheochromocytoma; Carney-Stratakis syndrome. Last evaluated: 2018-10-31. Review status: criteria provided, single submitter. Criteria: ACMG Guidelines, 2015. Collection method: clinical testing. Allele origin: unknown.

Academic Department of Medical Genetics, University of Cambridge
Classification: Likely pathogenic for Hereditary cancer-predisposing syndrome. Last evaluated: 2018-01-26. Review status: criteria provided, single submitter. Criteria: ACMG Guidelines, 2015. Collection method: research. Allele origin: germline. Affected: yes. Observed: 1 heterozygote.
Comment: Application of AMCG guidelines 2015. Used other ClinVar submission evidence where relevant. Loss of heterozygosity in tumours or immunohistochemistry abnormalities considered functional evidence of pathogenicity.

Identified as part of research study of individuals with multiple primary tumours referred for genetic assessment

Center for Human Genetics, Inc
Classification: Pathogenic for Pheochromocytoma/paraganglioma syndrome 4. Last evaluated: 2016-11-01. Review status: criteria provided, single submitter. Criteria: ACMG Guidelines, 2015. Collection method: clinical testing. Allele origin: germline. Affected: yes.

OMIM
Classification: Pathogenic for MITOCHONDRIAL COMPLEX II DEFICIENCY, NUCLEAR TYPE 4. Last evaluated: 2010-08-15. Review status: no assertion criteria provided. Collection method: literature only. Allele origin: germline. Not counted in ClinVar's aggregate classification.

OMIM
Classification: Pathogenic for PHEOCHROMOCYTOMA/PARAGANGLIOMA SYNDROME 4. Last evaluated: 2010-08-15. Review status: no assertion criteria provided. Collection method: literature only. Allele origin: germline. Not counted in ClinVar's aggregate classification.

Section on Medical Neuroendocrinolgy, National Institutes of Health
Classification: Pathogenic for Hereditary pheochromocytoma and paraganglioma. Review status: no assertion criteria provided. Collection method: research. Allele origin: germline. Affected: yes. Not counted in ClinVar's aggregate classification.

Literature cited by the submitters: PubMed 17200167 (cited by 3 submitters); PubMed 20614293 (cited by 3 submitters); PubMed 23083876 (cited by 4 submitters); PubMed 24509376 (cited by 3 submitters); PubMed 25695889 (cited by Labcorp Genetics (formerly Invitae), Labcorp and Department of Pathology and Laboratory Medicine, Sinai Health System); PubMed 26259135 (cited by Labcorp Genetics (formerly Invitae), Labcorp and Department of Pathology and Laboratory Medicine, Sinai Health System); PubMed 27539324 (cited by 3 submitters); PubMed 20592014 (cited by 4 submitters); PubMed 14500403 (cited by Labcorp Genetics (formerly Invitae), Labcorp); PubMed 16314641 (cited by 3 submitters); PubMed 18382370 (cited by Labcorp Genetics (formerly Invitae), Labcorp); PubMed 19351833 (cited by Labcorp Genetics (formerly Invitae), Labcorp); PubMed 24939699 (cited by Labcorp Genetics (formerly Invitae), Labcorp); PubMed 34906457 (cited by Center for Genomic Medicine, Rigshospitalet, Copenhagen University Hospital and Mayo Clinic Laboratories, Mayo Clinic); PubMed 27604842 (cited by 4 submitters); PubMed 19258401 (cited by Ambry Genetics); PubMed 19454582 (cited by Ambry Genetics); PubMed 20208144 (cited by Ambry Genetics); PubMed 30050099 (cited by Mayo Clinic Laboratories, Mayo Clinic and Myriad Genetics, Inc.); PubMed 30877234 (cited by Mayo Clinic Laboratories, Mayo Clinic); PubMed 31365623 (cited by Mayo Clinic Laboratories, Mayo Clinic); PubMed 31666924 (cited by Mayo Clinic Laboratories, Mayo Clinic); PubMed 32741965 (cited by Mayo Clinic Laboratories, Mayo Clinic); PubMed 32859697 (cited by Mayo Clinic Laboratories, Mayo Clinic and Department of Pathology and Laboratory Medicine, Sinai Health System); PubMed 34466344 (cited by Mayo Clinic Laboratories, Mayo Clinic); PubMed 19576851 (cited by Myriad Genetics, Inc.); PubMed 17652212 (cited by Women's Health and Genetics/Laboratory Corporation of America, LabCorp); PubMed 16912137 (cited by Women's Health and Genetics/Laboratory Corporation of America, LabCorp); PubMed 19215943 (cited by Women's Health and Genetics/Laboratory Corporation of America, LabCorp); PubMed 18551016 (cited by Women's Health and Genetics/Laboratory Corporation of America, LabCorp).